The following is an entry in ClinVar:

ClinVar aggregate classification (germline): Conflicting classifications of pathogenicity. Review status: criteria provided, conflicting classifications (1 of 4 stars). 3 submissions from 3 submitters: Likely pathogenic (2); Uncertain significance (1). Last evaluated 2024-03-17.

Conditions:
Pendred syndrome (PDS). Also called: DEAFNESS WITH GOITER; GOITER-DEAFNESS SYNDROME; HYPOTHYROIDISM, CONGENITAL, DUE TO DYSHORMONOGENESIS, 2B; THYROID DYSHORMONOGENESIS 2B; THYROID HORMONOGENESIS, GENETIC DEFECT IN, 2B; Pendred's syndrome. Identifiers: Orphanet 705, MedGen C0271829, MONDO:0010134, OMIM 274600.
Autosomal recessive nonsyndromic hearing loss 4 (DFNB4). Also called: DEAFNESS, AUTOSOMAL RECESSIVE 4, WITH ENLARGED VESTIBULAR AQUEDUCT, DIGENIC; Nonsyndromic enlarged vestibular aqueduct (NSEVA); Deafness, autosomal recessive 4, with enlarged vestibular aqueduct; Enlarged vestibular aqueduct, digenic; Deafness, autosomal recessive 4; NEUROSENSORY NONSYNDROMIC RECESSIVE DEAFNESS 4. Identifiers: Orphanet 90636, MedGen C3538946, MONDO:0010933, OMIM 600791.

Submissions (3):

Fulgent Genetics
Classification: Likely pathogenic for Pendred syndrome; Autosomal recessive nonsyndromic hearing loss 4. Last evaluated: 2024-03-17. Review status: criteria provided, single submitter. Criteria: ACMG Guidelines, 2015. Collection method: clinical testing. Allele origin: germline.

Women's Health and Genetics/Laboratory Corporation of America, LabCorp
Classification: Uncertain significance. Last evaluated: 2024-03-14. Review status: criteria provided, single submitter. Criteria: LabCorp Variant Classification Summary - May 2015. Collection method: clinical testing. Allele origin: germline.
Comment: Variant summary: SLC26A4 c.419C>T (p.Pro140Leu) results in a non-conservative amino acid change located in the SLC26A/SulP transporter domain (IPR011547) of the encoded protein sequence. Five of five in-silico tools predict a damaging effect of the variant on protein function. The variant was absent in 251454 control chromosomes. c.419C>T has been reported in the literature in an individual affected with Pendred Syndrome (Elander_2022). These data indicate that the variant may be associated with disease. To our knowledge, no experimental evidence demonstrating an impact on protein function has been reported. The following publication have been ascertained in the context of this evaluation (PMID: 35779349). No submitters have cited clinical-significance assessments for this variant to ClinVar. Based on the evidence outlined above, the variant was classified as VUS-possibly pathogenic.

Clinical Genetics Laboratory, Skane University Hospital Lund
Classification: Likely pathogenic. Last evaluated: 2022-05-27. Review status: criteria provided, single submitter. Criteria: ACMG Guidelines, 2015. Collection method: clinical testing. Allele origin: germline. Affected: yes.

Literature cited by the submitters: PubMed 35779349 (cited by Women's Health and Genetics/Laboratory Corporation of America, LabCorp).

NM_000441.2(SLC26A4):c.419C>T (p.Pro140Leu)

Gene: SLC26A4 (solute carrier family 26 member 4; plus strand). Cytogenetic location: 7q22.3.
Variant type: single nucleotide variant.
Coding change: c.419C>T on transcript NM_000441.2 (MANE Select); coding-DNA position 419, C replaced by T.
Protein change: p.Pro140Leu; replaces proline 140 with leucine.
Molecular consequence: missense variant.
Genome position (GRCh38, 1-based): chr7:107,674,167, C>T. VCF-style: chr7-107674167-C-T. GRCh37 (hg19) VCF-style: chr7-107314612-C-T.
Other names: c.419C>T (NM_000441.1); short protein forms P140L.
Identifiers: ClinVar variation 3233966 (VCV003233966.4), dbSNP rs2535296235, ClinGen allele CA368847794.